The following is an entry in ClinVar:

ClinVar aggregate classification (germline): Likely pathogenic (1 of 4 stars; one submission).

Conditions:
Ehlers-Danlos syndrome, kyphoscoliotic type, 2. Also called: FKBP14-Kyphoscoliotic Ehlers-Danlos Syndrome; Ehlers-Danlos syndrome, kyphoscoliotic and deafness type; Ehlers-Danlos syndrome with progressive kyphoscoliosis, myopathy, and hearing loss. Identifiers: Orphanet 300179, MedGen C3281160, MONDO:0013800, OMIM 614557.

Submission:

Labcorp Genetics (formerly Invitae), Labcorp
Classification: Likely pathogenic for Ehlers-Danlos syndrome, kyphoscoliotic type, 2. Last evaluated: 2024-05-23. Review status: criteria provided, single submitter. Criteria: Invitae Variant Classification Sherloc (09022015). Collection method: clinical testing. Allele origin: germline.
Comment: This sequence change affects a donor splice site in intron 2 of the FKBP14 gene. It is expected to disrupt RNA splicing. Variants that disrupt the donor or acceptor splice site typically lead to a loss of protein function (PMID: 16199547), and loss-of-function variants in FKBP14 are known to be pathogenic (PMID: 22265013). This variant is not present in population databases (gnomAD no frequency). Disruption of this splice site has been observed in individual(s) with FKBP14-related conditions (Invitae). Algorithms developed to predict the effect of sequence changes on RNA splicing suggest that this variant may disrupt the consensus splice site. In summary, the currently available evidence indicates that the variant is pathogenic, but additional data are needed to prove that conclusively. Therefore, this variant has been classified as Likely Pathogenic.

Literature cited by the submitters: PubMed 16199547; PubMed 22265013.

NM_017946.4(FKBP14):c.349+1G>A

Genes: FKBP14 (FKBP prolyl isomerase 14; minus strand), FKBP14-AS1 (FKBP14 antisense RNA 1; plus strand). Cytogenetic location: 7p14.3.
Variant type: single nucleotide variant.
Coding change: c.349+1G>A on transcript NM_017946.4 (MANE Select); the canonical splice donor site of the intron after coding-DNA position 349, G replaced by A.
Molecular consequence: splice donor variant.
Genome position (GRCh38, 1-based): chr7:30,022,664, C>T on the plus strand (G>A on the coding strand, the complement: FKBP14 is on the minus strand). VCF-style: chr7-30022664-C-T. GRCh37 (hg19) VCF-style: chr7-30062280-C-T.
Identifiers: ClinVar variation 3654395 (VCV003654395.2).
Genomic context (GRCh38, chr7:30,022,664, plus strand): 5'-GTCTCCTAATCCAGAGAACAACTCTAGTGCTATAGTAAGAAAAATACAGAAATACTATTA[C>T]CTTTTCCTTCTTTTCCATAGCCCAGAGCAGGAGGAATGATGAGCTTTCTCTTCTCTCCTA-3'